The following is an entry in ClinVar:

ClinVar aggregate classification (germline): Uncertain significance. Review status: criteria provided, multiple submitters, no conflicts (2 of 4 stars). 2 submissions from 2 submitters: Uncertain significance (2). Last evaluated 2022-03-01.

Allele frequency attached by ClinVar (database versions not stated): gnomAD 0.00001; ExAC 0.00002; gnomAD exomes 0.00002; TOPMed 0.00002; 1000 Genomes Project 30x 0.00031.
gnomAD v4.1: 25 of 1,611,246 alleles (0.0016%); highest among the groups gnomAD compares: South Asian, 0.0044%; no homozygotes.

Submissions (2):

Labcorp Genetics (formerly Invitae), Labcorp
Classification: Uncertain significance. Last evaluated: 2022-03-01. Review status: criteria provided, single submitter. Criteria: Invitae Variant Classification Sherloc (09022015). Collection method: clinical testing. Allele origin: germline.
Comment: In summary, the available evidence is currently insufficient to determine the role of this variant in disease. Therefore, it has been classified as a Variant of Uncertain Significance. Algorithms developed to predict the effect of missense changes on protein structure and function (SIFT, PolyPhen-2, Align-GVGD) all suggest that this variant is likely to be disruptive. This variant has not been reported in the literature in individuals affected with TTLL5-related conditions. This variant is present in population databases (rs772356671, gnomAD 0.004%). This sequence change replaces arginine, which is basic and polar, with histidine, which is basic and polar, at codon 225 of the TTLL5 protein (p.Arg225His).

Blueprint Genetics
Classification: Uncertain significance. Last evaluated: 2019-10-04. Review status: criteria provided, single submitter. Criteria: ACMG Guidelines, 2015. Collection method: clinical testing. Allele origin: germline.

NM_015072.5(TTLL5):c.674G>A (p.Arg225His)

Gene: TTLL5 (tubulin tyrosine ligase like 5; plus strand). Cytogenetic location: 14q24.3.
Variant type: single nucleotide variant.
Coding change: c.674G>A on transcript NM_015072.5 (MANE Select); coding-DNA position 674, G replaced by A.
Protein change: p.Arg225His; replaces arginine 225 with histidine.
Molecular consequence: missense variant.
Genome position (GRCh38, 1-based): chr14:75,707,641, G>A. VCF-style: chr14-75707641-G-A. GRCh37 (hg19) VCF-style: chr14-76173984-G-A.
Other names: short protein forms R225H.
Identifiers: ClinVar variation 1945364 (VCV001945364.6), dbSNP rs772356671, ClinGen allele CA7279044.